The following is an entry in ClinVar:

NM_004287.5(GOSR2):c.94+7A>C

Genes: GOSR2 (golgi SNAP receptor complex member 2; plus strand), LRRC37A2 (leucine rich repeat containing 37 member A2). Cytogenetic location: 17q21.32.
Variant type: single nucleotide variant.
Coding change: c.94+7A>C on transcript NM_004287.5 (MANE Select); 7 bases into the intron after coding-DNA position 94, A replaced by C.
Molecular consequence: intron variant.
Genome position (GRCh38, 1-based): chr17:46,929,591, A>C. VCF-style: chr17-46929591-A-C. GRCh37 (hg19) VCF-style: chr17-45006957-A-C.
Other names: p.?; c.94+7A>C (NM_004287.4, NM_001321133.2, NM_054022.4 and 5 more transcripts); c.40+7A>C (NM_001363851.2, NM_001321134.2).
Identifiers: ClinVar variation 695955 (VCV000695955.17), dbSNP rs376231923, ClinGen allele CA8621136.
Genomic context (GRCh38, chr17:46,929,591, plus strand): 5'-AGATCCAGTCTTGCATGGGACGCCTGGAGACGGCAGACAAGCAGTCTGTGCACAGTGAGT[A>C]ATTAACTGTGGAGACCAGAGTCCTTTCTCTGATGACAGGGTGCTAATGGGCTGGGCTTCC-3'

ClinVar aggregate classification (germline): Conflicting classifications of pathogenicity. Review status: criteria provided, conflicting classifications (1 of 4 stars). 4 submissions from 4 submitters: Uncertain significance (1); Benign (2); Likely benign (1). Last evaluated 2025-09-08.

Conditions:
Progressive myoclonic epilepsy type 6. Identifiers: Orphanet 280620, MedGen C5190805, MONDO:0013526, OMIM 614018.
Progressive myoclonic epilepsy. Also called: Familial progressive myoclonic epilepsy; Progressive myoclonus epilepsy; Myoclonus epilepsy; Myoclonic Epilepsies, Progressive. Identifiers: Orphanet 308, Orphanet 98261, MedGen C0751778, MONDO:0020074.

Allele frequency attached by ClinVar (database versions not stated): ESP Exome Variant Server 0.00008; TOPMed 0.00011; gnomAD 0.00014 and 0.00016.
gnomAD v4.1: 172 of 1,404,010 alleles (0.012%); highest among the groups gnomAD compares: Non-Finnish European, 0.0027%; no homozygotes.

Submissions (4):

Labcorp Genetics (formerly Invitae), Labcorp
Classification: Benign for Progressive myoclonic epilepsy. Last evaluated: 2025-09-08. Review status: criteria provided, single submitter. Criteria: Invitae Variant Classification Sherloc (09022015). Collection method: clinical testing. Allele origin: germline.

Mayo Clinic Laboratories, Mayo Clinic
Classification: Likely benign. Last evaluated: 2025-06-24. Review status: criteria provided, single submitter. Criteria: ACMG Guidelines, 2015. Collection method: clinical testing. Allele origin: germline. Observed: 1 variant allele.
Comment: BS1, BP4, BP7

Illumina Laboratory Services, Illumina
Classification: Uncertain significance for Progressive myoclonic epilepsy type 6. Last evaluated: 2018-01-13. Review status: criteria provided, single submitter. Criteria: ICSL Variant Classification Criteria 13 December 2019. Collection method: clinical testing. Allele origin: germline.

GeneDx
Classification: Benign. Last evaluated: 2015-03-03. Review status: criteria provided, single submitter. Criteria: GeneDx Variant Classification Process June 2021. Collection method: clinical testing. Allele origin: germline. Affected: yes.